The following is an entry in ClinVar:

NM_000051.4(ATM):c.2019G>A (p.Lys673=)

Gene: ATM (ATM serine/threonine kinase; plus strand). Cytogenetic location: 11q22.3.
Variant type: single nucleotide variant.
Coding change: c.2019G>A on transcript NM_000051.4 (MANE Select); coding-DNA position 2019, G replaced by A.
Protein change: p.Lys673=; no amino-acid change (lysine 673 retained).
Molecular consequence: synonymous variant.
Genome position (GRCh38, 1-based): chr11:108,253,934, G>A. VCF-style: chr11-108253934-G-A. GRCh37 (hg19) VCF-style: chr11-108124661-G-A.
Other names: c.2019G>A, p.Lys673= (NM_001351834.2).
Identifiers: ClinVar variation 186533 (VCV000186533.24), dbSNP rs786203021, ClinGen allele CA195105.

ClinVar aggregate classification (germline): Benign/Likely benign. Review status: criteria provided, multiple submitters, no conflicts (2 of 4 stars). 6 submissions from 6 submitters: Benign (2); Likely benign (4). Last evaluated 2026-01-16.

Conditions:
Hereditary cancer-predisposing syndrome. Also called: Hereditary Cancer Syndrome; Neoplastic Syndromes, Hereditary; Tumor predisposition; Hereditary neoplastic syndrome. Identifiers: Orphanet 140162, MedGen C0027672, MeSH D009386, MONDO:0015356.
Familial cancer of breast. Also called: BREAST CANCER, FAMILIAL; Hereditary breast cancer; hereditary breast carcinoma. Identifiers: Orphanet 227535, MedGen C0346153, MONDO:0016419, OMIM 114480. Disease mechanism: loss of function.
Ataxia-telangiectasia syndrome (AT). Also called: Ataxia-telangiectasia, complementation group D; AT, COMPLEMENTATION GROUP C; ATAXIA-TELANGIECTASIA, COMPLEMENTATION GROUP A; ATAXIA-TELANGIECTASIA, FRESNO VARIANT; Ataxia-telangiectasia; LOUIS-BAR SYNDROME. Identifiers: Orphanet 100, MedGen C0004135, MONDO:0008840, OMIM 208900.

Allele frequency attached by ClinVar (database versions not stated): gnomAD 0.00001; gnomAD exomes 0.00001; TOPMed 0.00001.
gnomAD v4.1: 6 of 1,613,990 alleles (0.00037%); highest among the groups gnomAD compares: Non-Finnish European, 0.00051%; no homozygotes.

Submissions (6):

Labcorp Genetics (formerly Invitae), Labcorp
Classification: Likely benign for Ataxia-telangiectasia syndrome. Last evaluated: 2026-01-16. Review status: criteria provided, single submitter. Criteria: Invitae Variant Classification Sherloc (09022015). Collection method: clinical testing. Allele origin: germline.

Center for Genomic Medicine, Rigshospitalet, Copenhagen University Hospital
Classification: Likely benign. Last evaluated: 2025-03-04. Review status: criteria provided, single submitter. Criteria: ACMG Guidelines, 2015. Collection method: clinical testing. Allele origin: germline.

Myriad Genetics, Inc.
Classification: Benign for Familial cancer of breast. Last evaluated: 2024-05-06. Review status: criteria provided, single submitter. Criteria: Myriad Autosomal Dominant, Autosomal Recessive and X-Linked Classification Criteria (2023). Collection method: clinical testing. Allele origin: unknown.
Comment: This variant is considered benign. This variant is a silent/synonymous amino acid change and it is not expected to impact splicing.

GeneDx
Classification: Likely benign. Last evaluated: 2018-08-01. Review status: criteria provided, single submitter. Criteria: GeneDx Variant Classification Process June 2021. Collection method: clinical testing. Allele origin: germline. Affected: yes.

Color Diagnostics, LLC DBA Color Health
Classification: Benign for Hereditary cancer-predisposing syndrome. Last evaluated: 2016-04-19. Review status: criteria provided, single submitter. Criteria: ACMG Guidelines, 2015. Collection method: clinical testing. Allele origin: germline.

Ambry Genetics
Classification: Likely benign for Hereditary cancer-predisposing syndrome. Last evaluated: 2014-10-14. Review status: criteria provided, single submitter. Criteria: Ambry Variant Classification Scheme 2023. Collection method: clinical testing. Allele origin: germline.